The following is an entry in ClinVar:

NM_000088.4(COL1A1):c.3566del (p.Pro1189fs)

Gene: COL1A1 (collagen type I alpha 1 chain; minus strand). Cytogenetic location: 17q21.33.
Variant type: Deletion.
Coding change: c.3566del on transcript NM_000088.4 (MANE Select); coding-DNA position 3566, one base deleted (C; older notation c.3566delC).
Protein change: p.Pro1189fs; shifts the reading frame from proline 1189.
Molecular consequence: frameshift variant.
Genome position (GRCh38, 1-based): chr17:50,186,888, G deleted on the plus strand (C on the coding strand, the reverse complement: COL1A1 is on the minus strand); the first of 5 consecutive G bases (chr17:50,186,888-50,186,892); deleting any one gives the same sequence. VCF-style (leftmost placement, unchanged base first): chr17-50186887-AG-A. GRCh37 (hg19) VCF-style: chr17-48264248-AG-A.
Other names: short protein forms P1189fs.
Identifiers: ClinVar variation 1435122 (VCV001435122.6), dbSNP rs1567753046, ClinGen allele CA2573154175.

ClinVar aggregate classification (germline): Pathogenic (1 of 4 stars; one submission).

Conditions:
Osteogenesis imperfecta type I (OI1). Also called: Classic Non-deforming Osteogenesis Imperfecta with Blue Sclerae; Lobstein's Disease; Lobstein disease; OI, TYPE I; OSTEOGENESIS IMPERFECTA TARDA; OSTEOGENESIS IMPERFECTA WITH BLUE SCLERAE. Identifiers: Orphanet 216796, Orphanet 666, MedGen C0023931, MONDO:0008146, OMIM 166200. Disease mechanism: loss of function.

Submission:

Labcorp Genetics (formerly Invitae), Labcorp
Classification: Pathogenic for Osteogenesis imperfecta type I. Last evaluated: 2021-06-03. Review status: criteria provided, single submitter. Criteria: Invitae Variant Classification Sherloc (09022015). Collection method: clinical testing. Allele origin: germline.
Comment: For these reasons, this variant has been classified as Pathogenic. This variant has not been reported in the literature in individuals with COL1A1-related conditions. This variant is not present in population databases (ExAC no frequency). This sequence change creates a premature translational stop signal (p.Pro1189Leufs*50) in the COL1A1 gene. It is expected to result in an absent or disrupted protein product. Loss-of-function variants in COL1A1 are known to be pathogenic (PMID: 7942841, 9295084, 9443882).

Literature cited by the submitters: PubMed 7942841; PubMed 9295084; PubMed 9443882.